The following is an entry in ClinVar:

NM_006922.4(SCN3A):c.3557_3558delinsGC (p.Glu1186Gly)

Gene: SCN3A (sodium voltage-gated channel alpha subunit 3; minus strand). Cytogenetic location: 2q24.3.
Variant type: Indel.
Coding change: c.3557_3558delinsGC on transcript NM_006922.4 (MANE Select); coding-DNA positions 3557 to 3558, AA replaced by GC.
Protein change: p.Glu1186Gly; replaces glutamic acid 1186 with glycine.
Molecular consequence: missense variant.
Genome position (GRCh38, 1-based): chr2:165,113,927-165,113,928, TT replaced by GC on the plus strand (AA replaced by GC on the coding strand, the reverse complement: SCN3A is on the minus strand). VCF-style: chr2-165113927-TT-GC. GRCh37 (hg19) VCF-style: chr2-165970437-TT-GC.
Other names: c.3410_3411delinsGC, p.Glu1137Gly (NM_001081676.2, NM_001081677.2); short protein forms E1137G, E1186G.
Identifiers: ClinVar variation 2841109 (VCV002841109.3), dbSNP rs2468156482, ClinGen allele CA2739271458.
Genomic context (GRCh38, chr2:165,113,927, plus strand): 5'-GTTGTGCTCAACAATACTGTAGCAGGTTTTTCGAAGATTCCACCAGATCTTCCCTTTGCC[TT>GC]CTTCTGTACTTACTTGACAGAATGGAAACTTTTTAATACATCCTAAAAATCAAATATAGT-3'
Protein context (NP_008853.3, residues 1176-1196): KFPFCQVSTE[Glu1186Gly]GKGKIWWNLR

ClinVar aggregate classification (germline): Uncertain significance (1 of 4 stars; one submission).

Submission:

Labcorp Genetics (formerly Invitae), Labcorp
Classification: Uncertain significance. Last evaluated: 2023-02-26. Review status: criteria provided, single submitter. Criteria: Invitae Variant Classification Sherloc (09022015). Collection method: clinical testing. Allele origin: germline.
Comment: In summary, the available evidence is currently insufficient to determine the role of this variant in disease. Therefore, it has been classified as a Variant of Uncertain Significance. An algorithm developed to predict the effect of missense changes on protein structure and function (PolyPhen-2) suggests that this variant is likely to be tolerated. This variant has not been reported in the literature in individuals affected with SCN3A-related conditions. Information on the frequency of this variant in the gnomAD database is not available, as this variant may be reported differently in the database. This sequence change replaces glutamic acid, which is acidic and polar, with glycine, which is neutral and non-polar, at codon 1186 of the SCN3A protein (p.Glu1186Gly).